The following is an entry in ClinVar:

ClinVar aggregate classification (germline): Uncertain significance. Review status: criteria provided, multiple submitters, no conflicts (2 of 4 stars). 2 submissions from 2 submitters: Uncertain significance (2). Last evaluated 2025-08-02.

Conditions:
Inborn genetic diseases. Identifiers: MedGen C0950123, MeSH D030342.

Allele frequency attached by ClinVar (database versions not stated): gnomAD exomes 0.00003; ExAC 0.00004; ESP Exome Variant Server 0.00008; gnomAD 0.00013 and 0.00014; TOPMed 0.00015.
gnomAD v4.1: 32 of 1,613,936 alleles (0.002%); highest among the groups gnomAD compares: African/African-American, 0.04%; no homozygotes.

Submissions (2):

Ambry Genetics
Classification: Uncertain significance for Inborn genetic diseases. Last evaluated: 2025-08-02. Review status: criteria provided, single submitter. Criteria: Ambry Variant Classification Scheme 2023. Collection method: clinical testing. Allele origin: germline.

GeneDx
Classification: Uncertain significance. Last evaluated: 2016-05-24. Review status: criteria provided, single submitter. Criteria: GeneDx Variant Classification (06012015). Collection method: clinical testing. Allele origin: germline. Affected: yes.
Comment: The L305F missense change in the COX15 gene has not been published as a mutation, nor has it been reported as a benign polymorphism to our knowledge. The amino acid change is conservative. This change occurs at a conserved position in the COX15 protein, and multiple in-silico analysis models predict that L305F is damaging to the COX15 protein. Therefore, based on the currently available information it is unclear whether L305F is a disease-causing mutation or a rare benign variant.

NM_078470.6(COX15):c.913C>T (p.Leu305Phe)

Gene: COX15 (cytochrome c oxidase assembly factor COX15; minus strand). Cytogenetic location: 10q24.2.
Variant type: single nucleotide variant.
Coding change: c.913C>T on transcript NM_078470.6 (MANE Select); coding-DNA position 913, C replaced by T.
Protein change: p.Leu305Phe; replaces leucine 305 with phenylalanine.
Molecular consequence: missense variant. On other transcripts: intron variant (2).
Genome position (GRCh38, 1-based): chr10:99,718,420, G>A on the plus strand (C>T on the coding strand, the complement: COX15 is on the minus strand). VCF-style: chr10-99718420-G-A. GRCh37 (hg19) VCF-style: chr10-101478177-G-A.
Other names: p.L305F:CTC>TTC; c.913C>T, p.Leu305Phe (NM_001320974.2, NM_001372024.1, NM_001372025.1 and 2 more transcripts); c.376C>T, p.Leu126Phe (NM_001320976.2); c.886C>T, p.Leu296Phe (NM_001372026.1); c.833-1959C>T (NM_001372028.1, NM_001320975.2); short protein forms L305F, L126F, L296F.
Identifiers: ClinVar variation 214258 (VCV000214258.3), dbSNP rs149189968, ClinGen allele CA321871.